The following is an entry in ClinVar:

NM_001048174.2(MUTYH):c.1393G>T (p.Val465Phe)

Gene: MUTYH (mutY DNA glycosylase; minus strand). Cytogenetic location: 1p34.1.
Variant type: single nucleotide variant.
Coding change: c.1393G>T on transcript NM_001048174.2 (MANE Select); coding-DNA position 1393, G replaced by T.
Protein change: p.Val465Phe; replaces valine 465 with phenylalanine.
Molecular consequence: missense variant. On other transcripts: non-coding transcript variant (2).
Genome position (GRCh38, 1-based): chr1:45,330,557, C>A on the plus strand (G>T on the coding strand, the complement: MUTYH is on the minus strand). VCF-style: chr1-45330557-C-A. GRCh37 (hg19) VCF-style: chr1-45796229-C-A.
Other names: c.1393G>T, p.Val465Phe (NM_001048171.2, NM_001048173.2, NM_001293195.2); c.1396G>T, p.Val466Phe (NM_001048172.2); c.1477G>T, p.Val493Phe (NM_001128425.2); c.1438G>T, p.Val480Phe (NM_001293190.2); c.1426G>T, p.Val476Phe (NM_001293191.2); c.1117G>T, p.Val373Phe (NM_001293192.2, NM_001293196.2); c.1048G>T, p.Val350Phe (NM_001350650.2, NM_001350651.2); c.1468G>T, p.Val490Phe (NM_012222.3); short protein forms V493F, V479F, V373F, V465F, V466F, V350F, V480F, V476F.
Identifiers: ClinVar variation 219953 (VCV000219953.36), dbSNP rs587782228, ClinGen allele CA056613.

ClinVar aggregate classification (germline): Pathogenic/Likely pathogenic. Review status: criteria provided, multiple submitters, no conflicts (2 of 4 stars). 13 submissions from 13 submitters: Pathogenic (4); Likely pathogenic (8). 1 of the submissions does not count toward it. Last evaluated 2026-01-13.

Conditions:
MUTYH-related disorder. Also called: MUTYH-related disorders; MUTYH-related condition.
Familial adenomatous polyposis 2. Also called: COLORECTAL ADENOMATOUS POLYPOSIS, AUTOSOMAL RECESSIVE; MYH-associated polyposis; ADENOMAS, MULTIPLE COLORECTAL, AUTOSOMAL RECESSIVE; MUTYH-associated polyposis; FAP type 2; Adenomas, multiple colorectal. Identifiers: Orphanet 220460, Orphanet 247798, MedGen C3272841, MONDO:0012041, OMIM 608456.
Gastric cancer. Also called: Stomach cancer; Malignant tumor of stomach. Identifiers: MedGen C0024623, MeSH D013274, MONDO:0001056, OMIM 613659, HP:0012126.
Hereditary cancer-predisposing syndrome. Also called: Hereditary Cancer Syndrome; Tumor predisposition; Neoplastic Syndromes, Hereditary; Hereditary neoplastic syndrome. Identifiers: Orphanet 140162, MedGen C0027672, MeSH D009386, MONDO:0015356.

Allele frequency attached by ClinVar (database versions not stated): ExAC 0.00002; TOPMed 0.00002; gnomAD 0.00003.
gnomAD v4.1: 70 of 1,608,158 alleles (0.0044%); highest among the groups gnomAD compares: Non-Finnish European, 0.0057%; no homozygotes.

Submissions 1 to 9 of 14:

Labcorp Genetics (formerly Invitae), Labcorp
Classification: Pathogenic for Familial adenomatous polyposis 2. Last evaluated: 2026-01-13. Review status: criteria provided, single submitter. Criteria: Invitae Variant Classification Sherloc (09022015). Collection method: clinical testing. Allele origin: germline.
Comment: This sequence change replaces valine, which is neutral and non-polar, with phenylalanine, which is neutral and non-polar, at codon 493 of the MUTYH protein (p.Val493Phe). RNA analysis indicates that this missense change induces altered splicing and likely results in a shortened protein product. This variant is present in population databases (rs587782228, gnomAD 0.002%). This missense change has been observed in individuals with polyposis or colorectal cancer and/or small cell lung cancer (PMID: 16557584, 17931073, 17949294, 19806110, 20618354, 23729658, 33504652). This variant is also known as c.1435G>T (p.Val479Phe). ClinVar contains an entry for this variant (Variation ID: 219953). An algorithm developed to predict the effect of missense changes on protein structure and function (PolyPhen-2) suggests that this variant is likely to be disruptive. Experimental studies have shown that this missense change affects MUTYH function (PMID: 25820570). Studies have shown that this missense change results in skipping of exon 15 skipping, but is expected to preserve the integrity of the reading-frame (internal data). For these reasons, this variant has been classified as Pathogenic.

Color Diagnostics, LLC DBA Color Health
Classification: Likely pathogenic for Hereditary cancer-predisposing syndrome. Last evaluated: 2025-06-24. Review status: criteria provided, single submitter. Criteria: ACMG Guidelines, 2015. Collection method: clinical testing. Allele origin: germline.
Comment: This missense variant replaces valine with phenylalanine at codon 493 in the nudix hydrolase domain of the MUTYH protein. Computational prediction is inconclusive regarding the impact of this variant on protein structure and function. A functional study has shown the mutant protein to be partially defective in a complementation assay in a MutY-deficient E.coli strain (PMID: 25820570). This variant has been reported in the homozygous or compound heterozygous state in individuals affected with multiple colorectal adenomas (PMID: 16557584, 17949294). It has also been reported in a heterozygous individual affected with colorectal cancer (PMID: 17931073). This variant has been identified in 4/271092 chromosomes in the general population by the Genome Aggregation Database (gnomAD). Based on the available evidence, this variant is classified as Likely Pathogenic.

All of Us Research Program, National Institutes of Health
Classification: Likely pathogenic for Familial adenomatous polyposis 2. Last evaluated: 2024-09-11. Review status: criteria provided, single submitter. Criteria: ACMG Guidelines, 2015. Collection method: clinical testing. Allele origin: germline. Inheritance: Autosomal recessive inheritance. Observed: 8 variant alleles, 8 heterozygotes.
Comment: This missense variant replaces valine with phenylalanine at codon 493 in the nudix hydrolase domain of the MUTYH protein. Computational prediction is inconclusive regarding the impact of this variant on protein structure and function (internally defined REVEL score threshold 0.5 < inconclusive < 0.7, PMID: 27666373). A functional study has shown the mutant protein to be partially defective in a complementation assay in a MutY-deficient E.coli strain (PMID: 25820570). This variant has been reported in homozygous or compound heterozygous state with other pathogenic variant in individuals affected with multiple colorectal adenomas (PMID: 16557584, 17949294). It has also been reported in a heterozygous individual affected with colorectal cancer (PMID: 17931073). This variant has been identified in 4/271092 chromosomes in the general population by the Genome Aggregation Database (gnomAD). Based on the available evidence, this variant is classified as Likely Pathogenic.

This study involves interpretation of variants in research participants for the purpose of population health screening. Participant phenotype was not available at the time of variant classification. Additional details can be found in publication PMID: 35346344, PMCID: PMC8962531

Quest Diagnostics Nichols Institute San Juan Capistrano
Classification: Pathogenic. Last evaluated: 2024-02-28. Review status: criteria provided, single submitter. Criteria: Quest Diagnostics criteria. Collection method: clinical testing. Allele origin: unknown.
Comment: The MUTYH c.1477G>T (p.Val493Phe) variant has been reported in the published literature in individuals affected with colorectal polyposis, adenomas, and/or cancer (PMID: 16557584 (2006), 17931073 (2007), 17949294 (2007), 19806110 (2009), 20618354 (2010)). It has also been reported in individuals affected with renal clear cell carcinoma (PMID: 26689913 (2015)), breast cancer (PMID: 33471991 (2021), see also LOVD), and small cell lung cancer (PMID: 33504652 (2021)). In addition, it has been identified in reportedly healthy individuals (PMID: 17931073 (2007), 33471991 (2021), see also LOVD). Functional studies report this variant results in a MUTYH protein with partially defective function (PMID: 25820570 (2015)) and causes exon 15 skipping (PMID: 25368107 (2015)). The frequency of this variant in the general population, 0.000033 (4/123030 chromosomes (Genome Aggregation Database)), is uninformative in the assessment of its pathogenicity. Analysis of this variant using bioinformatics tools for the prediction of the effect of amino acid changes on protein structure and function yielded predictions that this variant is damaging. Based on the available information, this variant is classified as pathogenic.

Baylor Genetics
Classification: Likely pathogenic for Familial adenomatous polyposis 2. Last evaluated: 2023-08-21. Review status: criteria provided, single submitter. Criteria: ACMG Guidelines, 2015. Collection method: clinical testing. Allele origin: unknown.

PreventionGenetics, part of Exact Sciences
Classification: Pathogenic for MUTYH-related condition. Last evaluated: 2023-07-17. Review status: criteria provided, single submitter. Criteria: ACMG Guidelines, 2015. Collection method: clinical testing. Allele origin: germline.
Comment: The MUTYH c.1477G>T variant is predicted to result in the amino acid substitution p.Val493Phe. This variant was reported in multiple individuals with MUTYH-associated polyposis, colorectal cancer, or small cell lung cancer (see for example Aretz et al 2006. PubMed ID: 16557584; Küry et al 2007. PubMed ID: 17931073; Olschwang et al 2007. PubMed ID: 17949294; Reggoug et al 2009. PubMed ID: 19806110; Morak et al 2010. PubMed ID: 20618354; Tlemsani et al 2021. PubMed ID: 33504652). A published functional study demonstrated the damaging effect of this variant (Komine K et al 2015. PubMed ID: 25820570). This variant is also known as c.1435G>T (p.Val479Phe). This variant is reported in 0.0033% of alleles in individuals of European (Non-Finnish) descent in gnomAD. This variant is interpreted as pathogenic.

Ambry Genetics
Classification: Pathogenic for Hereditary cancer-predisposing syndrome. Last evaluated: 2023-05-15. Review status: criteria provided, single submitter. Criteria: Ambry Variant Classification Scheme 2023. Collection method: clinical testing. Allele origin: germline.
Comment: The c.1477G>T pathogenic mutation (also known as p.V493F) is located in coding exon 15 of the MUTYH gene. The valine at codon 493 is replaced by phenylalanine, an amino acid with highly similar properties. This change occurs in the first base pair of coding exon 15 and this nucleotide position is highly conserved in available vertebrate species. This alteration has been identified both in conjunction with a pathogenic MUTYH mutation and in the homozygous state in polyposis patients (Aretz S et al. Int. J. Cancer. 2006 Aug 15;119:807-14; Olschwang S et al. Genet. Test. 2007;11:315-20; Ambry internal data). In addition, this alteration was classified by a functional complementation assay as partially defective (Komine K et al. Hum. Mutat. 2015 Jul;36:704-11). Of note, this alteration is also designated as p.V479F (c.1435G>T) in published literature. In silico splice site analysis predicts that this alteration may weaken the native splice acceptor site. RNA studies have demonstrated that this alteration results in abnormal splicing in the set of samples tested (Ambry internal data). As such, this alteration is classified as a disease-causing mutation.

Revvity Omics, Revvity
Classification: Likely pathogenic for Familial adenomatous polyposis 2. Last evaluated: 2022-01-06. Review status: criteria provided, single submitter. Criteria: ACMG Guidelines, 2015. Collection method: clinical testing. Allele origin: germline.

Fulgent Genetics
Classification: Likely pathogenic for Familial adenomatous polyposis 2; Gastric cancer. Last evaluated: 2021-07-21. Review status: criteria provided, single submitter. Criteria: ACMG Guidelines, 2015. Collection method: clinical testing. Allele origin: unknown.